The following is an entry in ClinVar:

NM_001244008.2(KIF1A):c.3219CCT[2] (p.Leu1076del)

Gene: KIF1A (kinesin family member 1A; minus strand). Cytogenetic location: 2q37.3.
Variant type: Microsatellite.
Coding change: c.3219CCT[2] on transcript NM_001244008.2 (MANE Select); two copies in a row of the 3-base unit CCT starting at c.3219; the reference has three copies in a row; one copy, 3 bases deleted.
Protein change: p.Leu1076del; deletes leucine 1076.
Molecular consequence: inframe deletion.
Genome position (GRCh38, 1-based): chr2:240,745,885-240,745,887, AGG deleted on the plus strand (CCT on the coding strand, the reverse complement: KIF1A is on the minus strand); deleting any 3 consecutive bases within chr2:240,745,885-240,745,893 gives the same sequence; the position shown is the placement nearest the transcript's 3' end. VCF-style (leftmost placement, unchanged base first): chr2-240745884-TAGG-T. GRCh37 (hg19) VCF-style: chr2-241685301-TAGG-T.
Other names: c.2922_2924delCCT (NM_004321.8, NM_004321.6); c.2943CCT[2], p.Leu984del (NM_001320705.2, NM_001330289.2, NM_001379638.1); c.3018CCT[2], p.Leu1009del (NM_001330290.2, NM_001379634.1, NM_001379635.1 and 1 more transcripts); c.3294CCT[2], p.Leu1101del (NM_001379631.1); c.3168CCT[2], p.Leu1059del (NM_001379632.1); c.3192CCT[2], p.Leu1067del (NM_001379633.1, NM_001379642.1, NM_001379645.1); c.2916CCT[2], p.Leu975del (NM_001379636.1, NM_001379639.1, NM_001379641.1 and 5 more transcripts); c.2991CCT[2], p.Leu1000del (NM_001379637.1, NM_001379648.1); and 2 more; short protein forms L1076del, L975del, L1009del, L984del, L1000del, L1059del, L1067del, L1101del.
Identifiers: ClinVar variation 435627 (VCV000435627.19), dbSNP rs1167417315, ClinGen allele CA432029329.
Genomic context (GRCh38, chr2:240,745,884, plus strand): 5'-GCGGAGGTGGTCCAGGGCAGCATCCAGGGGCCCATCCAGGGCGGCTTTCTCAGAGCTGTC[TAGG>T]AGGAGGCCTTCTGGGGGCACTGCTGCTGGGAGTCAAGGAGAGAGTCATGGACCTCCAGGC-3'

ClinVar aggregate classification (germline): Uncertain significance. Review status: criteria provided, multiple submitters, no conflicts (2 of 4 stars). 5 submissions from 5 submitters: Uncertain significance (5). Last evaluated 2026-04-26.

Conditions:
KIF1A-related disorder. Also called: KIF1A-related disorders; KIF1A-related condition.
Hereditary spastic paraplegia 30. Identifiers: Orphanet 101010, MedGen C5235139, MONDO:0012476.
Intellectual disability, autosomal dominant 9 (NESCAVS). Also called: NESCAV SYNDROME; KIF1A-Related Neurodevelopmental Disorder. Identifiers: Orphanet 662367, MedGen C5393830, MONDO:0013656, OMIM 614255.
Neuropathy, hereditary sensory, type 2C. Also called: Hereditary sensory and autonomic neuropathy type IIC; KIF1A-Related HSAN2 (HSAN2C). Identifiers: Orphanet 970, MedGen C3280168, MONDO:0013634, OMIM 614213.
Hereditary spastic paraplegia. Also called: Familial spastic paraparesis. Identifiers: Orphanet 685, MedGen C0037773, MONDO:0019064. Disease mechanism: loss of function.

Submissions (5):

PreventionGenetics, part of Exact Sciences
Classification: Uncertain significance for KIF1A-related condition. Last evaluated: 2026-04-26. Review status: criteria provided, single submitter. Criteria: ACMG Guidelines, 2015. Collection method: clinical testing. Allele origin: germline.
Comment: The KIF1A c.3225_3227delCCT variant is predicted to result in an in-frame deletion (p.Leu1076del). To our knowledge, this variant has not been reported in the literature. This variant is reported in 0.0027% of alleles in individuals of European (Non-Finnish) descent in gnomAD. At this time, the clinical significance of this variant is uncertain due to the absence of conclusive functional and genetic evidence.

Women's Health and Genetics/Laboratory Corporation of America, LabCorp
Classification: Uncertain significance. Last evaluated: 2025-04-09. Review status: criteria provided, single submitter. Criteria: LabCorp Variant Classification Summary - May 2015. Collection method: clinical testing. Allele origin: germline.
Comment: Variant summary: KIF1A c.2922_2924delCCT (p.Leu975del) results in an in-frame deletion that is predicted to remove 1 amino acid from the encoded protein. The variant allele was found at a frequency of 1.2e-05 in 242342 control chromosomes. The available data on variant occurrences in the general population are insufficient to allow any conclusion about variant significance. To our knowledge, no occurrence of c.2922_2924delCCT in individuals affected with KIF1A-related disorders and no experimental evidence demonstrating its impact on protein function have been reported. ClinVar contains an entry for this variant (Variation ID: 435627). Based on the evidence outlined above, the variant was classified as uncertain significance.

Labcorp Genetics (formerly Invitae), Labcorp
Classification: Uncertain significance for Hereditary spastic paraplegia 30; Neuropathy, hereditary sensory, type 2C; Intellectual disability, autosomal dominant 9. Last evaluated: 2024-09-14. Review status: criteria provided, single submitter. Criteria: Invitae Variant Classification Sherloc (09022015). Collection method: clinical testing. Allele origin: germline.
Comment: This variant, c.2922_2924del, results in the deletion of 1 amino acid(s) of the KIF1A protein (p.Leu975del), but otherwise preserves the integrity of the reading frame. This variant is present in population databases (no rsID available, gnomAD 0.003%). This variant has not been reported in the literature in individuals affected with KIF1A-related conditions. ClinVar contains an entry for this variant (Variation ID: 435627). Experimental studies and prediction algorithms are not available or were not evaluated, and the functional significance of this variant is currently unknown. In summary, the available evidence is currently insufficient to determine the role of this variant in disease. Therefore, it has been classified as a Variant of Uncertain Significance.

Genome Diagnostics Laboratory, The Hospital for Sick Children
Classification: Uncertain significance for Hereditary spastic paraplegia. Last evaluated: 2017-02-24. Review status: criteria provided, single submitter. Criteria: ACMG Guidelines, 2015. Collection method: clinical testing. Allele origin: germline. Affected: yes.

Genetic Services Laboratory, University of Chicago
Classification: Uncertain significance. Last evaluated: 2017-02-22. Review status: criteria provided, single submitter. Criteria: ACMG Guidelines, 2015. Collection method: clinical testing. Allele origin: germline. Affected: no.